The following is an entry in ClinVar:

ClinVar aggregate classification (germline): Uncertain significance. Review status: criteria provided, multiple submitters, no conflicts (2 of 4 stars). 2 submissions from 2 submitters: Uncertain significance (2). Last evaluated 2022-10-24.

Allele frequency attached by ClinVar (database versions not stated): gnomAD exomes below 0.00001.
gnomAD v4.1: 2 of 1,608,028 alleles (0.00012%); highest among the groups gnomAD compares: Non-Finnish European, 0.00017%; no homozygotes.

Submissions (2):

Labcorp Genetics (formerly Invitae), Labcorp
Classification: Uncertain significance. Last evaluated: 2022-10-24. Review status: criteria provided, single submitter. Criteria: Invitae Variant Classification Sherloc (09022015). Collection method: clinical testing. Allele origin: germline.
Comment: Advanced modeling of protein sequence and biophysical properties (such as structural, functional, and spatial information, amino acid conservation, physicochemical variation, residue mobility, and thermodynamic stability) performed at Invitae indicates that this missense variant is expected to disrupt ABHD12 protein function. This sequence change replaces leucine, which is neutral and non-polar, with proline, which is neutral and non-polar, at codon 269 of the ABHD12 protein (p.Leu269Pro). This variant is not present in population databases (gnomAD no frequency). This variant has not been reported in the literature in individuals affected with ABHD12-related conditions. ClinVar contains an entry for this variant (Variation ID: 965568). In summary, the available evidence is currently insufficient to determine the role of this variant in disease. Therefore, it has been classified as a Variant of Uncertain Significance.

Blueprint Genetics
Classification: Uncertain significance. Last evaluated: 2018-09-17. Review status: criteria provided, single submitter. Criteria: ACMG Guidelines, 2015. Collection method: clinical testing. Allele origin: germline.

NM_001042472.3(ABHD12):c.806T>C (p.Leu269Pro)

Gene: ABHD12 (abhydrolase domain containing 12, lysophospholipase; minus strand). Cytogenetic location: 20p11.21.
Variant type: single nucleotide variant.
Coding change: c.806T>C on transcript NM_001042472.3 (MANE Select); coding-DNA position 806, T replaced by C.
Protein change: p.Leu269Pro; replaces leucine 269 with proline.
Molecular consequence: missense variant.
Genome position (GRCh38, 1-based): chr20:25,308,027, A>G on the plus strand (T>C on the coding strand, the complement: ABHD12 is on the minus strand). VCF-style: chr20-25308027-A-G. GRCh37 (hg19) VCF-style: chr20-25288663-A-G.
Other names: c.806T>C, p.Leu269Pro (NM_015600.5); short protein forms L269P.
Identifiers: ClinVar variation 965568 (VCV000965568.10), dbSNP rs2088777304, ClinGen allele CA408455929.
Genomic context (GRCh38, chr20:25,308,027, plus strand): 5'-ACTGAAAATGGATGGCTCTTAGCTTCTTCGCGGATATTAGTGAATGGAGATTCCAATATA[A>G]GGGCATCTGGAGGCGTCTCTAGATAAACAAACAGGGAACTGAGAGGTAGGCAGGAAGCCA-3'
Protein context (NP_001035937.1, residues 259-279): LCERETPPDA[Leu269Pro]ILESPFTNIR